The following is an entry in ClinVar:

NM_001999.4(FBN2):c.4222G>A (p.Asp1408Asn)

Gene: FBN2 (fibrillin 2; minus strand). Cytogenetic location: 5q23.3.
Variant type: single nucleotide variant.
Coding change: c.4222G>A on transcript NM_001999.4 (MANE Select); coding-DNA position 4222, G replaced by A.
Protein change: p.Asp1408Asn; replaces aspartic acid 1408 with asparagine.
Molecular consequence: missense variant.
Genome position (GRCh38, 1-based): chr5:128,332,912, C>T on the plus strand (G>A on the coding strand, the complement: FBN2 is on the minus strand). VCF-style: chr5-128332912-C-T. GRCh37 (hg19) VCF-style: chr5-127668604-C-T.
Other names: short protein forms D1408N.
Identifiers: ClinVar variation 2136328 (VCV002136328.4), dbSNP rs2479791649, ClinGen allele CA360754566.

ClinVar aggregate classification (germline): Likely pathogenic (1 of 4 stars; one submission).

Conditions:
Congenital contractural arachnodactyly (CCA). Also called: Arthrogryposis, distal, type 9; BEALS SYNDROME; Beals-Hecht syndrome. Identifiers: Orphanet 115, MedGen C0220668, MONDO:0007363, OMIM 121050.

Submission:

Labcorp Genetics (formerly Invitae), Labcorp
Classification: Likely pathogenic for Congenital contractural arachnodactyly. Last evaluated: 2022-05-04. Review status: criteria provided, single submitter. Criteria: Invitae Variant Classification Sherloc (09022015). Collection method: clinical testing. Allele origin: germline.
Comment: In summary, the currently available evidence indicates that the variant is pathogenic, but additional data are needed to prove that conclusively. Therefore, this variant has been classified as Likely Pathogenic. Variants that disrupt the consensus splice site are a relatively common cause of aberrant splicing (PMID: 17576681, 9536098). Algorithms developed to predict the effect of sequence changes on RNA splicing suggest that this variant may create or strengthen a splice site. Algorithms developed to predict the effect of missense changes on protein structure and function are either unavailable or do not agree on the potential impact of this missense change (SIFT: "Deleterious"; PolyPhen-2: "Probably Damaging"; Align-GVGD: "Class C15"). This missense change has been observed in individual(s) with congenital contractural arachnodactyly (PMID: 19006240). In at least one individual the variant was observed to be de novo. This variant is not present in population databases (gnomAD no frequency). This sequence change replaces aspartic acid, which is acidic and polar, with asparagine, which is neutral and polar, at codon 1408 of the FBN2 protein (p.Asp1408Asn). This variant also falls at the last nucleotide of exon 32, which is part of the consensus splice site for this exon.

Literature cited by the submitters: PubMed 17576681; PubMed 9536098; PubMed 19006240.